The following is an entry in ClinVar:

NM_001145809.2(MYH14):c.263G>A (p.Arg88Gln)

Gene: MYH14 (myosin heavy chain 14; plus strand). Cytogenetic location: 19q13.33.
Variant type: single nucleotide variant.
Coding change: c.263G>A on transcript NM_001145809.2 (MANE Select); coding-DNA position 263, G replaced by A.
Protein change: p.Arg88Gln; replaces arginine 88 with glutamine.
Molecular consequence: missense variant.
Genome position (GRCh38, 1-based): chr19:50,210,628, G>A. VCF-style: chr19-50210628-G-A. GRCh37 (hg19) VCF-style: chr19-50713885-G-A.
Other names: c.263G>A, p.Arg88Gln (NM_001077186.2, NM_024729.4); c.263G>A (NM_001145809.1); short protein forms R88Q.
Identifiers: ClinVar variation 892759 (VCV000892759.5), dbSNP rs185910660, ClinGen allele CA9592218.

ClinVar aggregate classification (germline): Likely benign. Review status: criteria provided, multiple submitters, no conflicts (2 of 4 stars). 2 submissions from 2 submitters: Likely benign (2). Last evaluated 2024-12-13.

Conditions:
MYH14-related disorder. Also called: MYH14-related condition.
Autosomal dominant nonsyndromic hearing loss 4A. Also called: Deafness, autosomal dominant 4A. Identifiers: Orphanet 90635, MedGen C1833503, MONDO:0010915, OMIM 600652.

Allele frequency attached by ClinVar (database versions not stated): gnomAD 0.00004 and 0.00006; TOPMed 0.00012; gnomAD exomes 0.00019; ExAC 0.00034; 1000 Genomes Project 0.00060; 1000 Genomes Project 30x 0.00078.

Submissions (2):

PreventionGenetics, part of Exact Sciences
Classification: Likely benign for MYH14-related condition. Last evaluated: 2024-12-13. Review status: criteria provided, single submitter. Criteria: ACMG Guidelines, 2015. Collection method: clinical testing. Allele origin: germline.
Comment: This variant is classified as likely benign based on ACMG/AMP sequence variant interpretation guidelines (Richards et al. 2015 PMID: 25741868, with internal and published modifications).

Illumina Laboratory Services, Illumina
Classification: Likely benign for Autosomal dominant nonsyndromic hearing loss 4A. Last evaluated: 2018-01-13. Review status: criteria provided, single submitter. Criteria: ICSL Variant Classification Criteria 13 December 2019. Collection method: clinical testing. Allele origin: germline.
Comment: This variant was observed in the ICSL laboratory as part of a predisposition screen in an ostensibly healthy population. It had not been previously curated by ICSL or reported in the Human Gene Mutation Database (HGMD: prior to June 1st, 2018), and was therefore a candidate for classification through an automated scoring system. Utilizing variant allele frequency, disease prevalence and penetrance estimates, and inheritance mode, an automated score was calculated to assess if this variant is too frequent to cause the disease. Based on the score and internal cut-off values, a variant classified as likely benign is not then subjected to further curation. The score for this variant resulted in a classification of likely benign for this disease.